The following is an entry in ClinVar:

ClinVar aggregate classification (germline): Benign (1 of 4 stars; one submission).

gnomAD v4.1: 377,988 of 1,602,860 alleles (24%); highest among the groups gnomAD compares: Non-Finnish European, 26%; 47,546 homozygotes.

Submission:

CeGaT Center for Human Genetics Tuebingen
Classification: Benign. Last evaluated: 2025-01-01. Review status: criteria provided, single submitter. Criteria: CeGaT Center For Human Genetics Tuebingen Variant Classification Criteria Version 2. Collection method: clinical testing. Allele origin: germline. Affected: yes. Observed: 1 variant allele.
Comment: ROS1: BP4, BS1, BS2

NM_001378902.1(ROS1):c.6619G>A (p.Asp2207Asn)

Gene: ROS1 (ROS proto-oncogene 1, receptor tyrosine kinase; minus strand). Cytogenetic location: 6q22.1.
Variant type: single nucleotide variant.
Coding change: c.6619G>A on transcript NM_001378902.1 (MANE Select); coding-DNA position 6619, G replaced by A.
Protein change: p.Asp2207Asn; replaces aspartic acid 2207 with asparagine.
Molecular consequence: missense variant.
Genome position (GRCh38, 1-based): chr6:117,301,070, C>T on the plus strand (G>A on the coding strand, the complement: ROS1 is on the minus strand). VCF-style: chr6-117301070-C-T. GRCh37 (hg19) VCF-style: chr6-117622233-C-T.
Other names: c.6625G>A, p.Asp2209Asn (NM_001378891.1); c.6637G>A, p.Asp2213Asn (NM_002944.3); short protein forms D2207N, D2209N, D2213N.
Identifiers: ClinVar variation 3770413 (VCV003770413.13).
Genomic context (GRCh38, chr6:117,301,070, plus strand): 5'-CTTCATCTCTGGACTTATAAATGCTATTTAAGAAAAAATTTCTGAATAACTGAAGTTGGT[C>T]CTGAATTCTATGAAAAGTAGGTCTTTGGTCGGGTTCTTGAGCCCAGCACTGGGTCATTAA-3'
Protein context (NP_001365831.1, residues 2197-2217): DQRPTFHRIQ[Asp2207Asn]QLQLFRNFFL